The following is an entry in ClinVar:

NM_002637.4(PHKA1):c.237+8A>G

Gene: PHKA1 (phosphorylase kinase regulatory subunit alpha 1; minus strand). Cytogenetic location: Xq13.1.
Variant type: single nucleotide variant.
Coding change: c.237+8A>G on transcript NM_002637.4 (MANE Select); 8 bases into the intron after coding-DNA position 237, A replaced by G.
Molecular consequence: intron variant.
Genome position (GRCh38, 1-based): chrX:72,712,771, T>C on the plus strand (A>G on the coding strand, the complement: PHKA1 is on the minus strand). VCF-style: chrX-72712771-T-C. GRCh37 (hg19) VCF-style: chrX-71932613-T-C.
Other names: c.237+8A>G (NM_001172436.2, NM_001122670.2).
Identifiers: ClinVar variation 2660920 (VCV002660920.24), dbSNP rs1556335244, ClinGen allele CA642499142.

ClinVar aggregate classification (germline): Likely benign (1 of 4 stars; one submission).

Allele frequency attached by ClinVar (database versions not stated): gnomAD exomes below 0.00001.
gnomAD v4.1: 2 of 1,207,926 alleles (0.00017%); highest among the groups gnomAD compares: East Asian, 0.0059%; no homozygotes.

Submission:

CeGaT Center for Human Genetics Tuebingen
Classification: Likely benign. Last evaluated: 2022-07-01. Review status: criteria provided, single submitter. Criteria: CeGaT Center For Human Genetics Tuebingen Variant Classification Criteria Version 2. Collection method: clinical testing. Allele origin: germline. Affected: yes. Observed: 1 variant allele.
Comment: PHKA1: BP4